The following is an entry in ClinVar:

ClinVar aggregate classification (germline): Benign (0 of 4 stars; one submission).

Conditions:
EPHX2-related disorder. Also called: EPHX2-related condition.

Allele frequency attached by ClinVar (database versions not stated): 1000 Genomes Project 30x 0.06215; 1000 Genomes Project 0.06270; ExAC 0.07671; TOPMed 0.08722; gnomAD 0.08964; ESP Exome Variant Server 0.09480; gnomAD exomes 0.09737.
gnomAD v4.1: 155,352 of 1,610,520 alleles (9.6%); highest among the groups gnomAD compares: Non-Finnish European, 11%; 8,158 homozygotes.

Submissions (12):

PreventionGenetics, part of Exact Sciences
Classification: Benign for EPHX2-related condition. Last evaluated: 2019-10-21. Review status: no assertion criteria provided. Collection method: clinical testing. Allele origin: germline.
Comment: This variant is classified as benign based on ACMG/AMP sequence variant interpretation guidelines (Richards et al. 2015 PMID: 25741868, with internal and published modifications).

Dr. Peter K. Rogan Lab, Western University
No classification provided (evidence only). Condition: Colorectal cancer. Review status: no classification provided. Collection method: in vitro. Allele origin: not applicable. Functional consequence: skipped exon, retained intron. Not counted in ClinVar's aggregate classification.

Dr. Peter K. Rogan Lab, Western University
No classification provided (evidence only). Condition: Colorectal cancer. Review status: no classification provided. Collection method: in vitro. Allele origin: not applicable. Functional consequence: skipped exon, retained intron. Not counted in ClinVar's aggregate classification.

Dr. Peter K. Rogan Lab, Western University
No classification provided (evidence only). Condition: Colorectal cancer. Review status: no classification provided. Collection method: in vitro. Allele origin: not applicable. Functional consequence: retained intron. Not counted in ClinVar's aggregate classification.

Dr. Peter K. Rogan Lab, Western University
No classification provided (evidence only). Condition: Adrenocortical carcinoma, hereditary. Review status: no classification provided. Collection method: in vitro. Allele origin: not applicable. Functional consequence: retained intron. Not counted in ClinVar's aggregate classification.

Dr. Peter K. Rogan Lab, Western University
No classification provided (evidence only). Condition: Adrenocortical carcinoma, hereditary. Review status: no classification provided. Collection method: in vitro. Allele origin: not applicable. Functional consequence: retained intron. Not counted in ClinVar's aggregate classification.

Dr. Peter K. Rogan Lab, Western University
No classification provided (evidence only). Condition: Adrenocortical carcinoma, hereditary. Review status: no classification provided. Collection method: in vitro. Allele origin: not applicable. Functional consequence: retained intron. Not counted in ClinVar's aggregate classification.

Dr. Peter K. Rogan Lab, Western University
No classification provided (evidence only). Condition: Uterine carcinosarcoma. Review status: no classification provided. Collection method: in vitro. Allele origin: not applicable. Functional consequence: retained intron. Not counted in ClinVar's aggregate classification.

Dr. Peter K. Rogan Lab, Western University
No classification provided (evidence only). Condition: Uveal melanoma. Review status: no classification provided. Collection method: in vitro. Allele origin: not applicable. Functional consequence: retained intron. Not counted in ClinVar's aggregate classification.

Dr. Peter K. Rogan Lab, Western University
No classification provided (evidence only). Condition: Uveal melanoma. Review status: no classification provided. Collection method: in vitro. Allele origin: not applicable. Functional consequence: retained intron. Not counted in ClinVar's aggregate classification.

Dr. Peter K. Rogan Lab, Western University
No classification provided (evidence only). Condition: Uveal melanoma. Review status: no classification provided. Collection method: in vitro. Allele origin: not applicable. Functional consequence: retained intron. Not counted in ClinVar's aggregate classification.

Dr. Peter K. Rogan Lab, Western University
No classification provided (evidence only). Condition: Uveal melanoma. Review status: no classification provided. Collection method: in vitro. Allele origin: not applicable. Functional consequence: skipped exon, retained intron. Not counted in ClinVar's aggregate classification.

NM_001979.6(EPHX2):c.1236C>T (p.Ser412=)

Gene: EPHX2 (epoxide hydrolase 2; plus strand). Cytogenetic location: 8p21.1.
Variant type: single nucleotide variant.
Coding change: c.1236C>T on transcript NM_001979.6 (MANE Select); coding-DNA position 1236, C replaced by T.
Protein change: p.Ser412=; no amino-acid change (serine 412 retained).
Molecular consequence: synonymous variant. On other transcripts: non-coding transcript variant (3).
Genome position (GRCh38, 1-based): chr8:27,536,849, C>T. VCF-style: chr8-27536849-C-T. GRCh37 (hg19) VCF-style: chr8-27394366-C-T.
Other names: NC_000008.10:g.27394366C>T; c.1077C>T, p.Ser359= (NM_001256482.2, NM_001256484.2); c.1038C>T, p.Ser346= (NM_001256483.2); c.1236C>T, p.Ser412= (NM_001414016.1, NM_001414017.1, NM_001414018.1); c.1140C>T, p.Ser380= (NM_001414019.1); c.1113C>T, p.Ser371= (NM_001414020.1).
Identifiers: ClinVar variation 3060428 (VCV003060428.3), dbSNP rs13439459, ClinGen allele CA4690346.